The following is an entry in ClinVar:

ClinVar aggregate classification (germline): Conflicting classifications of pathogenicity. Review status: criteria provided, conflicting classifications (1 of 4 stars). 3 submissions from 3 submitters: Uncertain significance (2); Likely benign (1). Last evaluated 2023-12-31.

Conditions:
Monogenic diabetes. Identifiers: Orphanet 183625, MedGen C3888631, MONDO:0015967.
Inborn genetic diseases. Identifiers: MedGen C0950123, MeSH D030342.
Neonatal diabetes mellitus with congenital hypothyroidism. Also called: NDH SYNDROME. Identifiers: Orphanet 79118, MedGen C1857775, MONDO:0012436, OMIM 610199.

Allele frequency attached by ClinVar (database versions not stated): gnomAD exomes below 0.00001; gnomAD 0.00001; TOPMed 0.00003.
gnomAD v4.1: 4 of 1,611,638 alleles (0.00025%); highest among the groups gnomAD compares: Admixed American, 0.0033%; no homozygotes.

Submissions (3):

Fulgent Genetics
Classification: Uncertain significance for Neonatal diabetes mellitus with congenital hypothyroidism. Last evaluated: 2023-12-31. Review status: criteria provided, single submitter. Criteria: ACMG Guidelines, 2015. Collection method: clinical testing. Allele origin: germline.

Ambry Genetics
Classification: Uncertain significance for Inborn genetic diseases. Last evaluated: 2021-09-14. Review status: criteria provided, single submitter. Criteria: Ambry Variant Classification Scheme 2023. Collection method: clinical testing. Allele origin: germline.

Personalized Diabetes Medicine Program, University of Maryland School of Medicine
Classification: Likely benign for Monogenic diabetes. Last evaluated: 2017-10-06. Review status: criteria provided, single submitter. Criteria: ACMG Guidelines, 2015. Collection method: research. Allele origin: unknown. Observed: 1 variant allele, 1 heterozygote. Study: Personalized Diabetes Medicine Program.
Comment: ACMG Criteria:PP3 (4 predictors), BP4 (6 predictors), PM2, BP1 (missense in gene with truncating cause disease)

NM_001042413.2(GLIS3):c.1973C>G (p.Ala658Gly)

Gene: GLIS3 (GLIS family zinc finger 3; minus strand). Cytogenetic location: 9p24.2.
Variant type: single nucleotide variant.
Coding change: c.1973C>G on transcript NM_001042413.2 (MANE Select); coding-DNA position 1973, C replaced by G.
Protein change: p.Ala658Gly; replaces alanine 658 with glycine.
Molecular consequence: missense variant.
Genome position (GRCh38, 1-based): chr9:3,932,370, G>C on the plus strand (C>G on the coding strand, the complement: GLIS3 is on the minus strand). VCF-style: chr9-3932370-G-C. GRCh37 (hg19) VCF-style: chr9-3932370-G-C.
Other names: c.1508C>G, p.Ala503Gly (NM_152629.4); c.1508C>G (NM_152629.3); short protein forms A658G, A503G.
Identifiers: ClinVar variation 549529 (VCV000549529.5), dbSNP rs977500969, ClinGen allele CA188906514.